The following is an entry in ClinVar:

ClinVar aggregate classification (germline): Benign (0 of 4 stars; one submission).

Conditions:
MST1R-related disorder. Also called: MST1R-related condition.

Allele frequency attached by ClinVar (database versions not stated): 1000 Genomes Project 0.05731; 1000 Genomes Project 30x 0.05856; ExAC 0.06476; ESP Exome Variant Server 0.08204.

Submissions (24):

PreventionGenetics, part of Exact Sciences
Classification: Benign for MST1R-related condition. Last evaluated: 2019-12-16. Review status: no assertion criteria provided. Collection method: clinical testing. Allele origin: germline.
Comment: This variant is classified as benign based on ACMG/AMP sequence variant interpretation guidelines (Richards et al. 2015 PMID: 25741868, with internal and published modifications).

Dr. Peter K. Rogan Lab, Western University
No classification provided (evidence only). Condition: Thymoma. Review status: no classification provided. Collection method: in vitro. Allele origin: not applicable. Functional consequence: skipped exon. Not counted in ClinVar's aggregate classification.

Dr. Peter K. Rogan Lab, Western University
No classification provided (evidence only). Condition: Thymoma. Review status: no classification provided. Collection method: in vitro. Allele origin: not applicable. Functional consequence: skipped exon. Not counted in ClinVar's aggregate classification.

Dr. Peter K. Rogan Lab, Western University
No classification provided (evidence only). Condition: Thymoma. Review status: no classification provided. Collection method: in vitro. Allele origin: not applicable. Functional consequence: skipped exon, retained intron. Not counted in ClinVar's aggregate classification.

Dr. Peter K. Rogan Lab, Western University
No classification provided (evidence only). Condition: Thymoma. Review status: no classification provided. Collection method: in vitro. Allele origin: not applicable. Functional consequence: skipped exon, retained intron. Not counted in ClinVar's aggregate classification.

Dr. Peter K. Rogan Lab, Western University
No classification provided (evidence only). Condition: Thymoma. Review status: no classification provided. Collection method: in vitro. Allele origin: not applicable. Functional consequence: skipped exon. Not counted in ClinVar's aggregate classification.

Dr. Peter K. Rogan Lab, Western University
No classification provided (evidence only). Condition: Uterine carcinosarcoma. Review status: no classification provided. Collection method: in vitro. Allele origin: not applicable. Functional consequence: retained intron. Not counted in ClinVar's aggregate classification.

Dr. Peter K. Rogan Lab, Western University
No classification provided (evidence only). Condition: Chronic lymphocytic leukemia/small lymphocytic lymphoma. Review status: no classification provided. Collection method: in vitro. Allele origin: not applicable. Functional consequence: retained intron. Not counted in ClinVar's aggregate classification.

Dr. Peter K. Rogan Lab, Western University
No classification provided (evidence only). Condition: Chronic lymphocytic leukemia/small lymphocytic lymphoma. Review status: no classification provided. Collection method: in vitro. Allele origin: not applicable. Functional consequence: skipped exon. Not counted in ClinVar's aggregate classification.

Dr. Peter K. Rogan Lab, Western University
No classification provided (evidence only). Condition: Nonpapillary renal cell carcinoma. Review status: no classification provided. Collection method: in vitro. Allele origin: not applicable. Functional consequence: skipped exon. Not counted in ClinVar's aggregate classification.

Dr. Peter K. Rogan Lab, Western University
No classification provided (evidence only). Condition: Nonpapillary renal cell carcinoma. Review status: no classification provided. Collection method: in vitro. Allele origin: not applicable. Functional consequence: skipped exon. Not counted in ClinVar's aggregate classification.

Dr. Peter K. Rogan Lab, Western University
No classification provided (evidence only). Condition: Familial pancreatic carcinoma. Review status: no classification provided. Collection method: in vitro. Allele origin: not applicable. Functional consequence: skipped exon. Not counted in ClinVar's aggregate classification.

Dr. Peter K. Rogan Lab, Western University
No classification provided (evidence only). Condition: Lymphoma. Review status: no classification provided. Collection method: in vitro. Allele origin: not applicable. Functional consequence: retained intron. Not counted in ClinVar's aggregate classification.

Dr. Peter K. Rogan Lab, Western University
No classification provided (evidence only). Condition: Lymphoma. Review status: no classification provided. Collection method: in vitro. Allele origin: not applicable. Functional consequence: retained intron. Not counted in ClinVar's aggregate classification.

Dr. Peter K. Rogan Lab, Western University
No classification provided (evidence only). Condition: Lymphoma. Review status: no classification provided. Collection method: in vitro. Allele origin: not applicable. Functional consequence: retained intron. Not counted in ClinVar's aggregate classification.

Dr. Peter K. Rogan Lab, Western University
No classification provided (evidence only). Condition: Lymphoma. Review status: no classification provided. Collection method: in vitro. Allele origin: not applicable. Functional consequence: skipped exon. Not counted in ClinVar's aggregate classification.

Dr. Peter K. Rogan Lab, Western University
No classification provided (evidence only). Condition: Ovarian cancer. Review status: no classification provided. Collection method: in vitro. Allele origin: not applicable. Functional consequence: skipped exon. Not counted in ClinVar's aggregate classification.

Dr. Peter K. Rogan Lab, Western University
No classification provided (evidence only). Condition: Ovarian cancer. Review status: no classification provided. Collection method: in vitro. Allele origin: not applicable. Functional consequence: skipped exon. Not counted in ClinVar's aggregate classification.

Dr. Peter K. Rogan Lab, Western University
No classification provided (evidence only). Condition: Ovarian cancer. Review status: no classification provided. Collection method: in vitro. Allele origin: not applicable. Functional consequence: skipped exon. Not counted in ClinVar's aggregate classification.

Dr. Peter K. Rogan Lab, Western University
No classification provided (evidence only). Condition: Ovarian cancer. Review status: no classification provided. Collection method: in vitro. Allele origin: not applicable. Functional consequence: retained intron. Not counted in ClinVar's aggregate classification.

Dr. Peter K. Rogan Lab, Western University
No classification provided (evidence only). Condition: Ovarian cancer. Review status: no classification provided. Collection method: in vitro. Allele origin: not applicable. Functional consequence: retained intron. Not counted in ClinVar's aggregate classification.

Dr. Peter K. Rogan Lab, Western University
No classification provided (evidence only). Condition: Ovarian cancer. Review status: no classification provided. Collection method: in vitro. Allele origin: not applicable. Functional consequence: skipped exon, retained intron. Not counted in ClinVar's aggregate classification.

Dr. Peter K. Rogan Lab, Western University
No classification provided (evidence only). Condition: Ovarian cancer. Review status: no classification provided. Collection method: in vitro. Allele origin: not applicable. Functional consequence: skipped exon, retained intron. Not counted in ClinVar's aggregate classification.

Dr. Peter K. Rogan Lab, Western University
No classification provided (evidence only). Condition: Ovarian cancer. Review status: no classification provided. Collection method: in vitro. Allele origin: not applicable. Functional consequence: skipped exon, retained intron. Not counted in ClinVar's aggregate classification.

NM_002447.4(MST1R):c.3811-10C>A

Gene: MST1R (macrophage stimulating 1 receptor; minus strand). Cytogenetic location: 3p21.31.
Variant type: single nucleotide variant.
Coding change: c.3811-10C>A on transcript NM_002447.4 (MANE Select); 10 bases into the intron before coding-DNA position 3811, C replaced by A.
Molecular consequence: intron variant.
Genome position (GRCh38, 1-based): chr3:49,890,070, G>T on the plus strand (C>A on the coding strand, the complement: MST1R is on the minus strand). VCF-style: chr3-49890070-G-T. GRCh37 (hg19) VCF-style: chr3-49927503-G-T.
Other names: NC_000003.11:g.49927503G>T; c.3493-10C>A (NM_001318913.2); c.3664-10C>A (NM_001244937.3).
Identifiers: ClinVar variation 3055583 (VCV003055583.3), dbSNP rs12489386, ClinGen allele CA2408443.
Genomic context (GRCh38, chr3:49,890,070, plus strand): 5'-TGGTGGGGCACCCCGTGTCAGCAGTTCCCACAGCAGCACACCAAATGACCACTGTGGAAA[G>T]GGGGAGGTGAGGGGACTCAACTCACCCCAAATTTGGGGGCAGGTGGGTCCCCCAGGGCTT-3'